The following is an entry in ClinVar:

ClinVar aggregate classification (germline): Pathogenic (1 of 4 stars; one submission).

Conditions:
Hermansky-Pudlak syndrome 3 (HPS3). Identifiers: Orphanet 231512, Orphanet 79430, MedGen C3888001, MONDO:0013555, OMIM 614072.

Submission:

Myriad Genetics, Inc.
Classification: Pathogenic for Hermansky-Pudlak syndrome 3. Last evaluated: 2025-10-06. Review status: criteria provided, single submitter. Criteria: Myriad Autosomal Dominant, Autosomal Recessive and X-Linked Classification Criteria (2023). Collection method: clinical testing. Allele origin: unknown.
Comment: NM_032383.3(HPS3):c.2223dupT(V742Cfs*16) is a frameshift variant classified as pathogenic in the context of Hermansky-Pudlak syndrome, HPS3-related. V742Cfs*16 has not been observed in cases with relevant disease. Relevant functional assessments of this variant are not available in the literature. V742Cfs*16 has not been observed in referenced population frequency databases. In summary, NM_032383.3(HPS3):c.2223dupT(V742Cfs*16) is a frameshift variant in a gene where loss of function is a known mechanism of disease and is predicted to disrupt protein function. Please note: this variant was assessed in the context of healthy population screening.

NM_032383.5(HPS3):c.2223dup (p.Val742fs)

Gene: HPS3 (HPS3 biogenesis of lysosomal organelles complex 2 subunit 1; plus strand). Cytogenetic location: 3q24.
Variant type: Duplication.
Coding change: c.2223dup on transcript NM_032383.5 (MANE Select); coding-DNA position 2223, one base duplicated (T; older notation c.2223dupT).
Protein change: p.Val742fs; shifts the reading frame from valine 742.
Molecular consequence: frameshift variant.
Genome position (GRCh38, 1-based): chr3:149,162,264, T duplicated; the last of 2 consecutive T bases (chr3:149,162,263-149,162,264); duplicating either gives the same sequence. VCF-style (leftmost placement, unchanged base first): chr3-149162262-C-CT. GRCh37 (hg19) VCF-style: chr3-148880049-C-CT.
Other names: c.1728dup, p.Val577fs (NM_001308258.2); short protein forms V742fs, V577fs.
Identifiers: ClinVar variation 5003444 (VCV005003444.1).
Genomic context (GRCh38, chr3:149,162,262, plus strand): 5'-AAGGGACAGATTGTTCCAACCGAGCTTGCACTTCACTTGAAGGAAACTCAGCCTGGATTG[C>CT]TTGTGGCTTCAGTTCTGGGCTTGCAGAAGAACAACAAAATTGGAATTGAAGAAGCAGATT-3'